The following is an entry in ClinVar:

ClinVar aggregate classification (germline): Uncertain significance (1 of 4 stars; one submission).

Conditions:
Hereditary cancer-predisposing syndrome. Also called: Tumor predisposition; Hereditary neoplastic syndrome; Hereditary Cancer Syndrome; Neoplastic Syndromes, Hereditary. Identifiers: Orphanet 140162, MedGen C0027672, MeSH D009386, MONDO:0015356.

Submission:

Ambry Genetics
Classification: Uncertain significance for Hereditary cancer-predisposing syndrome. Last evaluated: 2024-02-05. Review status: criteria provided, single submitter. Criteria: Ambry Variant Classification Scheme 2023. Collection method: clinical testing. Allele origin: germline.
Comment: The p.L104F variant (also known as c.310C>T), located in coding exon 3 of the EPCAM gene, results from a C to T substitution at nucleotide position 310. The leucine at codon 104 is replaced by phenylalanine, an amino acid with highly similar properties. This amino acid position is conserved. In addition, this alteration is predicted to be tolerated by in silico analysis. Based on the available evidence, the clinical significance of this alteration remains unclear.

NM_002354.3(EPCAM):c.310C>T (p.Leu104Phe)

Gene: EPCAM (epithelial cell adhesion molecule; plus strand). Cytogenetic location: 2p21.
Variant type: single nucleotide variant.
Coding change: c.310C>T on transcript NM_002354.3 (MANE Select); coding-DNA position 310, C replaced by T.
Protein change: p.Leu104Phe; replaces leucine 104 with phenylalanine.
Molecular consequence: missense variant.
Genome position (GRCh38, 1-based): chr2:47,373,933, C>T. VCF-style: chr2-47373933-C-T. GRCh37 (hg19) VCF-style: chr2-47601072-C-T.
Other names: short protein forms L104F.
Identifiers: ClinVar variation 3222103 (VCV003222103.1), dbSNP rs1441698493, ClinGen allele CA346723159.
Genomic context (GRCh38, chr2:47,373,933, plus strand): 5'-CCTGAAGGGGCCCTCCAGAACAATGATGGGCTTTATGATCCTGACTGCGATGAGAGCGGG[C>T]TCTTTAAGGCCAAGCAGTGCAACGGCACCTCCATGTGCTGGTGTGTGAACACTGCTGGGG-3'
Protein context (NP_002345.2, residues 94-114): LYDPDCDESG[Leu104Phe]FKAKQCNGTS